The following is an entry in ClinVar:

NM_033056.4(PCDH15):c.4739T>C (p.Leu1580Ser)

Gene: PCDH15 (protocadherin related 15; minus strand). Cytogenetic location: 10q21.1.
Variant type: single nucleotide variant.
Coding change: c.4739T>C on transcript NM_033056.4 (MANE Plus Clinical); coding-DNA position 4739, T replaced by C.
Protein change: p.Leu1580Ser; replaces leucine 1580 with serine.
Molecular consequence: missense variant. On other transcripts: intron variant (8).
Genome position (GRCh38, 1-based): chr10:53,822,987, A>G on the plus strand (T>C on the coding strand, the complement: PCDH15 is on the minus strand). VCF-style: chr10-53822987-A-G. GRCh37 (hg19) VCF-style: chr10-55582747-A-G.
Other names: c.4760T>C, p.Leu1587Ser (NM_001142763.2); c.4745T>C, p.Leu1582Ser (NM_001142764.2); c.4532T>C, p.Leu1511Ser (NM_001142765.2); c.4730T>C, p.Leu1577Ser (NM_001142766.2); c.4619T>C, p.Leu1540Ser (NM_001142767.2); c.4679T>C, p.Leu1560Ser (NM_001142768.2); c.4670T>C, p.Leu1557Ser (NM_001142773.2); c.4673T>C, p.Leu1558Ser (NM_001354404.2); and 6 more; short protein forms L1582S, L1557S, L1558S, L1540S, L1577S, L1580S, L1587S, L1511S.
Identifiers: ClinVar variation 1519509 (VCV001519509.3), dbSNP rs2076401965, ClinGen allele CA376526678.

ClinVar aggregate classification (germline): Uncertain significance (1 of 4 stars; one submission).

Allele frequency attached by ClinVar (database versions not stated): gnomAD 0.00001; gnomAD exomes below 0.00001; TOPMed 0.00001.
gnomAD v4.1: 4 of 1,613,942 alleles (0.00025%); highest among the groups gnomAD compares: Non-Finnish European, 0.00034%; no homozygotes.

Submission:

Labcorp Genetics (formerly Invitae), Labcorp
Classification: Uncertain significance. Last evaluated: 2022-08-09. Review status: criteria provided, single submitter. Criteria: Invitae Variant Classification Sherloc (09022015). Collection method: clinical testing. Allele origin: germline.
Comment: This sequence change replaces leucine, which is neutral and non-polar, with serine, which is neutral and polar, at codon 1580 of the PCDH15 protein (p.Leu1580Ser). This variant is not present in population databases (gnomAD no frequency). This variant has not been reported in the literature in individuals affected with PCDH15-related conditions. ClinVar contains an entry for this variant (Variation ID: 1519509). Algorithms developed to predict the effect of missense changes on protein structure and function output the following: SIFT: "Deleterious"; PolyPhen-2: "Possibly Damaging"; Align-GVGD: "Class C0". The serine amino acid residue is found in multiple mammalian species, which suggests that this missense change does not adversely affect protein function. In summary, the available evidence is currently insufficient to determine the role of this variant in disease. Therefore, it has been classified as a Variant of Uncertain Significance.